The following is an entry in ClinVar:

NM_003072.5(SMARCA4):c.4192GAG[1] (p.Glu1399del)

Gene: SMARCA4 (SWI/SNF related BAF chromatin remodeling complex subunit ATPase 4; plus strand). Cytogenetic location: 19p13.2.
Variant type: Microsatellite.
Coding change: c.4192GAG[1] on transcript NM_003072.5 (MANE Select); one copy of the 3-base unit GAG starting at c.4192; the reference has two copies in a row; one copy, 3 bases deleted.
Protein change: p.Glu1399del; deletes glutamic acid 1399.
Molecular consequence: inframe deletion. On other transcripts: inframe indel (1), non-coding transcript variant (1).
Genome position (GRCh38, 1-based): chr19:11,041,331-11,041,333, GAG deleted; deleting any 3 consecutive bases within chr19:11,041,327-11,041,333 gives the same sequence; the position shown is the placement nearest the transcript's 3' end. VCF-style (leftmost placement, unchanged base first): chr19-11041326-TGGA-T. GRCh37 (hg19) VCF-style: chr19-11152002-TGGA-T.
Other names: c.4192GAG[1], p.Glu1399del (NM_001128844.3); c.4102GAG[1], p.Glu1369del (NM_001128845.2, NM_001128846.2); c.4093GAG[1], p.Glu1366del (NM_001128847.4, NM_001128848.2, NM_001374457.1); c.4288GAG[1], p.Glu1431del (NM_001128849.3, NM_001387283.1); c.4189_4191GAG[1], p.Glu1398del (NM_001411150.1); short protein forms E1366del, E1399del, E1369del, E1398del, E1431del.
Identifiers: ClinVar variation 2098968 (VCV002098968.4), dbSNP rs2515486319, ClinGen allele CA2580613046.
Genomic context (GRCh38, chr19:11,041,326, plus strand): 5'-TGGGTGCTGGCTGTCCTATTTTACTACTATTGACCCTGAAGGCCATCGAGGAGGGCACGC[TGGA>T]GGAGATCGAAGAGGAGGTCCGGCAGAAGAAATCATCACGGAAGCGCAAGCGAGACAGCGA-3'

ClinVar aggregate classification (germline): Uncertain significance (1 of 4 stars; one submission).

Conditions:
Rhabdoid tumor predisposition syndrome 2 (RTPS2). Identifiers: Orphanet 231108, Orphanet 69077, MedGen C2750074, MONDO:0013224, OMIM 613325.

Submission:

Labcorp Genetics (formerly Invitae), Labcorp
Classification: Uncertain significance for Rhabdoid tumor predisposition syndrome 2. Last evaluated: 2025-02-24. Review status: criteria provided, single submitter. Criteria: Invitae Variant Classification Sherloc (09022015). Collection method: clinical testing. Allele origin: germline.
Comment: This variant, c.4291_4293del, results in the deletion of 1 amino acid(s) of the SMARCA4 protein (p.Glu1431del), but otherwise preserves the integrity of the reading frame. This variant is not present in population databases (gnomAD no frequency). This variant has not been reported in the literature in individuals affected with SMARCA4-related conditions. Experimental studies and prediction algorithms are not available or were not evaluated, and the functional significance of this variant is currently unknown. In summary, the available evidence is currently insufficient to determine the role of this variant in disease. Therefore, it has been classified as a Variant of Uncertain Significance.